The following is an entry in ClinVar:

ClinVar aggregate classification (germline): Likely benign (0 of 4 stars; one submission).

Conditions:
CALCR-related disorder. Also called: CALCR-related condition.

Allele frequency attached by ClinVar (database versions not stated): 1000 Genomes Project 30x 0.00016; gnomAD 0.00070; ExAC 0.00080; ESP Exome Variant Server 0.00085; TOPMed 0.00087; gnomAD exomes 0.00090.
gnomAD v4.1: 1,435 of 1,610,800 alleles (0.089%); highest among the groups gnomAD compares: Admixed American, 0.12%; 2 homozygotes.

Submission:

PreventionGenetics, part of Exact Sciences
Classification: Likely benign for CALCR-related condition. Last evaluated: 2019-10-02. Review status: no assertion criteria provided. Collection method: clinical testing. Allele origin: germline.
Comment: This variant is classified as likely benign based on ACMG/AMP sequence variant interpretation guidelines (Richards et al. 2015 PMID: 25741868, with internal and published modifications).

NM_001742.4(CALCR):c.478A>G (p.Ile160Val)

Gene: CALCR (calcitonin receptor; minus strand). Cytogenetic location: 7q21.3.
Variant type: single nucleotide variant.
Coding change: c.478A>G on transcript NM_001742.4 (MANE Select); coding-DNA position 478, A replaced by G.
Protein change: p.Ile160Val; replaces isoleucine 160 with valine.
Molecular consequence: missense variant.
Genome position (GRCh38, 1-based): chr7:93,468,758, T>C on the plus strand (A>G on the coding strand, the complement: CALCR is on the minus strand). VCF-style: chr7-93468758-T-C. GRCh37 (hg19) VCF-style: chr7-93098070-T-C.
Other names: c.478A>G, p.Ile160Val (NM_001164737.3, NM_001164738.2); short protein forms I160V.
Identifiers: ClinVar variation 3039657 (VCV003039657.2), dbSNP rs142016257, ClinGen allele CA4345558.